The following is an entry in ClinVar:

NM_174916.3(UBR1):c.2899C>T (p.Gln967Ter)

Gene: UBR1 (ubiquitin protein ligase E3 component n-recognin 1; minus strand). Cytogenetic location: 15q15.2.
Variant type: single nucleotide variant.
Coding change: c.2899C>T on transcript NM_174916.3 (MANE Select); coding-DNA position 2899, C replaced by T.
Protein change: p.Gln967Ter; replaces glutamine 967 with a stop codon.
Molecular consequence: nonsense.
Genome position (GRCh38, 1-based): chr15:43,021,316, G>A on the plus strand (C>T on the coding strand, the complement: UBR1 is on the minus strand). VCF-style: chr15-43021316-G-A. GRCh37 (hg19) VCF-style: chr15-43313514-G-A.
Other names: short protein forms Q967*.
Identifiers: ClinVar variation 2900448 (VCV002900448.3), dbSNP rs2542967079, ClinGen allele CA392064571.

ClinVar aggregate classification (germline): Pathogenic (1 of 4 stars; one submission).

Submission:

Labcorp Genetics (formerly Invitae), Labcorp
Classification: Pathogenic. Last evaluated: 2023-07-13. Review status: criteria provided, single submitter. Criteria: Invitae Variant Classification Sherloc (09022015). Collection method: clinical testing. Allele origin: germline.
Comment: For these reasons, this variant has been classified as Pathogenic. This variant has not been reported in the literature in individuals affected with UBR1-related conditions. This variant is not present in population databases (gnomAD no frequency). This sequence change creates a premature translational stop signal (p.Gln967*) in the UBR1 gene. It is expected to result in an absent or disrupted protein product. Loss-of-function variants in UBR1 are known to be pathogenic (PMID: 24599544).

Literature cited by the submitters: PubMed 24599544.